The following is an entry in ClinVar:

NM_000397.4(CYBB):c.195G>T (p.Met65Ile)

Gene: CYBB (cytochrome b-245 beta chain; plus strand). Cytogenetic location: Xp21.1.
Variant type: single nucleotide variant.
Coding change: c.195G>T on transcript NM_000397.4 (MANE Select); coding-DNA position 195, G replaced by T.
Protein change: p.Met65Ile; replaces methionine 65 with isoleucine.
Molecular consequence: missense variant.
Genome position (GRCh38, 1-based): chrX:37,783,543, G>T. VCF-style: chrX-37783543-G-T. GRCh37 (hg19) VCF-style: chrX-37642796-G-T.
Other names: short protein forms M65I.
Identifiers: ClinVar variation 2876279 (VCV002876279.3), dbSNP rs2519192309, ClinGen allele CA412972805.
Genomic context (GRCh38, chrX:37,783,543, plus strand): 5'-CTTCTAGTCAGCACTGGCACTGGCCAGGGCCCCTGCAGCCTGCCTGAATTTCAACTGCAT[G>T]CTGATTCTCTTGCCAGTCTGTCGAAATCTGCTGTCCTTCCTCAGGGGTTCCAGTGCGGTA-3'
Protein context (NP_000388.2, residues 55-75): APAACLNFNC[Met65Ile]LILLPVCRNL

ClinVar aggregate classification (germline): Uncertain significance (1 of 4 stars; one submission).

Conditions:
Granulomatous disease, chronic, X-linked. Also called: CYTOCHROME b-NEGATIVE GRANULOMATOUS DISEASE, CHRONIC, X-LINKED; GRANULOMATOUS DISEASE, CHRONIC, X-LINKED, SOMATIC MOSAIC. Identifiers: Orphanet 379, MedGen C1844376, MONDO:0010600, OMIM 306400.

Submission:

Labcorp Genetics (formerly Invitae), Labcorp
Classification: Uncertain significance for Granulomatous disease, chronic, X-linked. Last evaluated: 2023-08-04. Review status: criteria provided, single submitter. Criteria: Invitae Variant Classification Sherloc (09022015). Collection method: clinical testing. Allele origin: germline.
Comment: In summary, the available evidence is currently insufficient to determine the role of this variant in disease. Therefore, it has been classified as a Variant of Uncertain Significance. Algorithms developed to predict the effect of sequence changes on RNA splicing suggest that this variant may disrupt the consensus splice site. Advanced modeling of protein sequence and biophysical properties (such as structural, functional, and spatial information, amino acid conservation, physicochemical variation, residue mobility, and thermodynamic stability) performed at Invitae indicates that this missense variant is not expected to disrupt CYBB protein function. This variant has not been reported in the literature in individuals affected with CYBB-related conditions. This variant is not present in population databases (gnomAD no frequency). This sequence change replaces methionine, which is neutral and non-polar, with isoleucine, which is neutral and non-polar, at codon 65 of the CYBB protein (p.Met65Ile).